The following is an entry in ClinVar:

ClinVar aggregate classification (germline): Uncertain significance (1 of 4 stars; one submission).

Conditions:
Heterotopia, periventricular, X-linked dominant (PVNH1). Also called: PERIVENTRICULAR NODULAR HETEROTOPIA 4; HETEROTOPIA, PERIVENTRICULAR, 1; PERIVENTRICULAR NODULAR HETEROTOPIA 1; X-linked periventricular heterotopia. Identifiers: Orphanet 2149, Orphanet 82004, MedGen C1848213, MONDO:0010233, OMIM 300049.
Oto-palato-digital syndrome, type II (OPD2). Also called: Otopalatodigital Syndrome, Type II; FACIOPALATOOSSEOUS SYNDROME; OPD II SYNDROME; Otopalatodigital Syndrome Type 2 (FLNA-OPD2). Identifiers: Orphanet 669, Orphanet 90652, MedGen C1844696, MONDO:0010571, OMIM 304120.
Melnick-Needles syndrome (MNS). Also called: MELNICK-NEEDLES OSTEODYSPLASTY; OSTEODYSPLASTY OF MELNICK AND NEEDLES; Melnick-Needles Syndrome (FLNA-MNS). Identifiers: Orphanet 2484, MedGen C0025237, MONDO:0010650, OMIM 309350.
Frontometaphyseal dysplasia (FMD1). Identifiers: Orphanet 1826, MedGen C0265293, MONDO:0015942.

Submission:

Labcorp Genetics (formerly Invitae), Labcorp
Classification: Uncertain significance for Oto-palato-digital syndrome, type II; Heterotopia, periventricular, X-linked dominant; Frontometaphyseal dysplasia; Melnick-Needles syndrome. Last evaluated: 2025-07-30. Review status: criteria provided, single submitter. Criteria: Invitae Variant Classification Sherloc (09022015). Collection method: clinical testing. Allele origin: germline.
Comment: This sequence change replaces serine, which is neutral and polar, with isoleucine, which is neutral and non-polar, at codon 72 of the FLNA protein (p.Ser72Ile). This variant is not present in population databases (gnomAD no frequency). This variant has not been reported in the literature in individuals affected with FLNA-related conditions. Invitae Evidence Modeling of protein sequence and biophysical properties (such as structural, functional, and spatial information, amino acid conservation, physicochemical variation, residue mobility, and thermodynamic stability) has been performed for this missense variant. However, the output from this modeling did not meet the statistical confidence thresholds required to predict the impact of this variant on FLNA protein function. In summary, the available evidence is currently insufficient to determine the role of this variant in disease. Therefore, it has been classified as a Variant of Uncertain Significance.

NM_001110556.2(FLNA):c.215G>T (p.Ser72Ile)

Gene: FLNA (filamin A; minus strand). Cytogenetic location: Xq28.
Variant type: single nucleotide variant.
Coding change: c.215G>T on transcript NM_001110556.2 (MANE Select); coding-DNA position 215, G replaced by T.
Protein change: p.Ser72Ile; replaces serine 72 with isoleucine.
Molecular consequence: missense variant.
Genome position (GRCh38, 1-based): chrX:154,371,031, C>A on the plus strand (G>T on the coding strand, the complement: FLNA is on the minus strand). VCF-style: chrX-154371031-C-A. GRCh37 (hg19) VCF-style: chrX-153599399-C-A.
Other names: c.215G>T, p.Ser72Ile (NM_001456.4); short protein forms S72I.
Identifiers: ClinVar variation 4789609 (VCV004789609.1).